The following is an entry in ClinVar:

NM_001365999.1(SZT2):c.8213C>A (p.Pro2738His)

Gene: SZT2 (SZT2 subunit of KICSTOR complex; plus strand). Cytogenetic location: 1p34.2.
Variant type: single nucleotide variant.
Coding change: c.8213C>A on transcript NM_001365999.1 (MANE Select); coding-DNA position 8213, C replaced by A.
Protein change: p.Pro2738His; replaces proline 2738 with histidine.
Molecular consequence: missense variant.
Genome position (GRCh38, 1-based): chr1:43,442,880, C>A. VCF-style: chr1-43442880-C-A. GRCh37 (hg19) VCF-style: chr1-43908551-C-A.
Other names: c.8042C>A, p.Pro2681His (NM_015284.4); short protein forms P2681H, P2738H.
Identifiers: ClinVar variation 4810206 (VCV004810206.1).
Genomic context (GRCh38, chr1:43,442,880, plus strand): 5'-AGCCAAACCCATTCCTGCTGCCGACCATGGAAGTGGAGACCCTCATCCGGAGTGCAAGTC[C>A]CCCGCTGAGCCGTGAGCAGGGCCGACTGAGTGGGTCCTCTCGTGGTGGGGGTCCTCTTCC-3'
Protein context (NP_001352928.1, residues 2728-2748): EVETLIRSAS[Pro2738His]PLSREQGRLS

ClinVar aggregate classification (germline): Uncertain significance (1 of 4 stars; one submission).

Submission:

Labcorp Genetics (formerly Invitae), Labcorp
Classification: Uncertain significance. Last evaluated: 2025-12-15. Review status: criteria provided, single submitter. Criteria: Invitae Variant Classification Sherloc (09022015). Collection method: clinical testing. Allele origin: germline.
Comment: This sequence change replaces proline, which is neutral and non-polar, with histidine, which is basic and polar, at codon 2681 of the SZT2 protein (p.Pro2681His). This variant is not present in population databases (gnomAD no frequency). This variant has not been reported in the literature in individuals affected with SZT2-related conditions. Invitae Evidence Modeling of protein sequence and biophysical properties (such as structural, functional, and spatial information, amino acid conservation, physicochemical variation, residue mobility, and thermodynamic stability) has been performed for this missense variant. However, the output from this modeling did not meet the statistical confidence thresholds required to predict the impact of this variant on SZT2 protein function. In summary, the available evidence is currently insufficient to determine the role of this variant in disease. Therefore, it has been classified as a Variant of Uncertain Significance.